The following is an entry in ClinVar:

ClinVar aggregate classification (germline): Uncertain significance (1 of 4 stars; one submission).

Submission:

Women's Health and Genetics/Laboratory Corporation of America, LabCorp
Classification: Uncertain significance. Last evaluated: 2024-08-28. Review status: criteria provided, single submitter. Criteria: LabCorp Variant Classification Summary - May 2015. Collection method: clinical testing. Allele origin: germline.
Comment: Variant summary: ACAD9 c.1817T>A (p.Leu606His) results in a non-conservative amino acid change located in the ACAD9/ACADV-like, C-terminal domain (IPR049448) of the encoded protein sequence. Three of five in-silico tools predict a damaging effect of the variant on protein function. The variant was absent in 251466 control chromosomes. c.1817T>A has been reported in the literature in individuals affected with Infantile mitochondrial disorder (example: Imai-Okazaki_IJC_2019). These data indicate that the variant may be associated with disease. To our knowledge, no experimental evidence demonstrating an impact on protein function has been reported. The following publications have been ascertained in the context of this evaluation (PMID: 30642647, 26741492, 30025539). No submitters have cited clinical-significance assessments for this variant to ClinVar. Based on the evidence outlined above, the variant was classified as VUS-possibly pathogenic.

Literature cited by the submitters: PubMed 26741492; PubMed 30025539; PubMed 30642647.

NM_014049.5(ACAD9):c.1817T>A (p.Leu606His)

Genes: ACAD9 (acyl-CoA dehydrogenase family member 9; plus strand), CFAP92 (cilia and flagella associated protein 92 (putative); minus strand). Cytogenetic location: 3q21.3.
Variant type: single nucleotide variant.
Coding change: c.1817T>A on transcript NM_014049.5 (MANE Select); coding-DNA position 1817, T replaced by A.
Protein change: p.Leu606His; replaces leucine 606 with histidine.
Molecular consequence: missense variant. On other transcripts: non-coding transcript variant (1), intron variant (3).
Genome position (GRCh38, 1-based): chr3:128,912,558, T>A. VCF-style: chr3-128912558-T-A. GRCh37 (hg19) VCF-style: chr3-128631401-T-A.
Other names: c.1448T>A, p.Leu483His (NM_001410805.1); c.2312-2225A>T (NM_001348521.2); c.2408-2225A>T (NM_001348520.2); c.3281-2225A>T (NM_001394090.1); short protein forms L483H, L606H.
Identifiers: ClinVar variation 3366441 (VCV003366441.1).